The following is an entry in ClinVar:

NM_000038.6(APC):c.4965A>C (p.Thr1655=)

Gene: APC (APC regulator of Wnt signaling pathway; plus strand). Cytogenetic location: 5q22.2.
Variant type: single nucleotide variant.
Coding change: c.4965A>C on transcript NM_000038.6 (MANE Select); coding-DNA position 4965, A replaced by C.
Protein change: p.Thr1655=; no amino-acid change (threonine 1655 retained).
Molecular consequence: synonymous variant.
Genome position (GRCh38, 1-based): chr5:112,840,559, A>C. VCF-style: chr5-112840559-A-C. GRCh37 (hg19) VCF-style: chr5-112176256-A-C.
Other names: c.4965A>C, p.Thr1655= (NM_001127510.3, NM_001354895.2); c.4911A>C, p.Thr1637= (NM_001127511.3); c.5019A>C, p.Thr1673= (NM_001354896.2); c.4995A>C, p.Thr1665= (NM_001354897.2); c.4890A>C, p.Thr1630= (NM_001354898.2); c.4881A>C, p.Thr1627= (NM_001354899.2); c.4842A>C, p.Thr1614= (NM_001354900.2); c.4788A>C, p.Thr1596= (NM_001354901.2); and 5 more.
Identifiers: ClinVar variation 215565 (VCV000215565.16), dbSNP rs863224282, ClinGen allele CA338769.

ClinVar aggregate classification (germline): Benign/Likely benign. Review status: criteria provided, multiple submitters, no conflicts (2 of 4 stars). 4 submissions from 4 submitters: Benign (1); Likely benign (3). Last evaluated 2025-10-20.

Conditions:
Hereditary cancer-predisposing syndrome. Also called: Hereditary neoplastic syndrome; Neoplastic Syndromes, Hereditary; Tumor predisposition; Hereditary Cancer Syndrome. Identifiers: Orphanet 140162, MedGen C0027672, MeSH D009386, MONDO:0015356.
Familial adenomatous polyposis 1 (FAP1). Also called: POLYPOSIS, ADENOMATOUS INTESTINAL; FAMILIAL ADENOMATOUS POLYPOSIS 1, ATTENUATED. Identifiers: MedGen C2713442, MONDO:0021056, OMIM 175100. Disease mechanism: loss of function.
Classic or attenuated familial adenomatous polyposis. Identifiers: MedGen CN372698, MONDO:0021057.

Submissions (4):

Labcorp Genetics (formerly Invitae), Labcorp
Classification: Likely benign for Familial adenomatous polyposis 1. Last evaluated: 2025-10-20. Review status: criteria provided, single submitter. Criteria: Invitae Variant Classification Sherloc (09022015). Collection method: clinical testing. Allele origin: germline.

All of Us Research Program, National Institutes of Health
Classification: Likely benign for Classic or attenuated familial adenomatous polyposis. Last evaluated: 2024-06-09. Review status: criteria provided, single submitter. Criteria: ACMG Guidelines, 2015. Collection method: clinical testing. Allele origin: germline. Inheritance: Autosomal dominant inheritance. Observed: 1 variant allele, 1 heterozygote.
Comment: This study involves interpretation of variants in research participants for the purpose of population health screening. Participant phenotype was not available at the time of variant classification. Additional details can be found in publication PMID: 35346344, PMCID: PMC8962531

Myriad Genetics, Inc.
Classification: Benign for Familial adenomatous polyposis 1. Last evaluated: 2024-03-28. Review status: criteria provided, single submitter. Criteria: Myriad Autosomal Dominant, Autosomal Recessive and X-Linked Classification Criteria (2023). Collection method: clinical testing. Allele origin: unknown.
Comment: This variant is considered benign. This variant is a silent/synonymous amino acid change and it is not expected to impact splicing.

Ambry Genetics
Classification: Likely benign for Hereditary cancer-predisposing syndrome. Last evaluated: 2019-09-13. Review status: criteria provided, single submitter. Criteria: Ambry Variant Classification Scheme 2023. Collection method: clinical testing. Allele origin: germline.